The following is an entry in ClinVar:

NM_001376.5(DYNC1H1):c.163G>A (p.Ala55Thr)

Gene: DYNC1H1 (dynein cytoplasmic 1 heavy chain 1; plus strand). Cytogenetic location: 14q32.31.
Variant type: single nucleotide variant.
Coding change: c.163G>A on transcript NM_001376.5 (MANE Select); coding-DNA position 163, G replaced by A.
Protein change: p.Ala55Thr; replaces alanine 55 with threonine.
Molecular consequence: missense variant.
Genome position (GRCh38, 1-based): chr14:101,964,854, G>A. VCF-style: chr14-101964854-G-A. GRCh37 (hg19) VCF-style: chr14-102431191-G-A.
Other names: short protein forms A55T.
Identifiers: ClinVar variation 1702715 (VCV001702715.2), dbSNP rs2141258617, ClinGen allele CA391003507.
Genomic context (GRCh38, chr14:101,964,854, plus strand): 5'-CGCAAGCTGGTGCCGCTGCTGCTGGAGGACGGCGGCGAGGCGCCGGCCGCGCTGGAGGCG[G>A]CGCTGGAGGAGAAGAGCGCCCTGGAGCAGATGCGCAAGTTCCTTTCGGACCCGCAGGTCC-3'
Protein context (NP_001367.2, residues 45-65): GGEAPAALEA[Ala55Thr]LEEKSALEQM

ClinVar aggregate classification (germline): Uncertain significance (1 of 4 stars; one submission).

Submission:

GeneDx
Classification: Uncertain significance. Last evaluated: 2022-02-17. Review status: criteria provided, single submitter. Criteria: GeneDx Variant Classification Process June 2021. Collection method: clinical testing. Allele origin: germline. Affected: yes.
Comment: Not observed at significant frequency in large population cohorts (gnomAD); In silico analysis supports that this missense variant does not alter protein structure/function; Has not been previously published as pathogenic or benign to our knowledge; This variant is associated with the following publications: (PMID: 26100331, 25609763, 25512093)